The following is an entry in ClinVar:

NM_001243133.2(NLRP3):c.2829G>A (p.Val943=)

Gene: NLRP3 (NLR family pyrin domain containing 3; plus strand). Cytogenetic location: 1q44.
Variant type: single nucleotide variant.
Coding change: c.2829G>A on transcript NM_001243133.2 (MANE Select); coding-DNA position 2829, G replaced by A.
Protein change: p.Val943=; no amino-acid change (valine 943 retained).
Molecular consequence: synonymous variant.
Genome position (GRCh38, 1-based): chr1:247,444,137, G>A. VCF-style: chr1-247444137-G-A. GRCh37 (hg19) VCF-style: chr1-247607439-G-A.
Other names: c.2829G>A, p.Val943= (NM_001079821.3); c.2658G>A, p.Val886= (NM_001127461.3, NM_001127462.3); c.2835G>A, p.Val945= (NM_004895.5); c.2487G>A, p.Val829= (NM_183395.3).
Identifiers: ClinVar variation 1975089 (VCV001975089.5), dbSNP rs2527470072, ClinGen allele CA424424697.

ClinVar aggregate classification (germline): Uncertain significance (1 of 4 stars; one submission).

Conditions:
Cryopyrin associated periodic syndrome (CAPS). Identifiers: Orphanet 208650, MedGen C2316212, MONDO:0016168.

Submission:

Labcorp Genetics (formerly Invitae), Labcorp
Classification: Uncertain significance for Cryopyrin associated periodic syndrome. Last evaluated: 2022-07-11. Review status: criteria provided, single submitter. Criteria: Invitae Variant Classification Sherloc (09022015). Collection method: clinical testing. Allele origin: germline.
Comment: In summary, the available evidence is currently insufficient to determine the role of this variant in disease. Therefore, it has been classified as a Variant of Uncertain Significance. Algorithms developed to predict the effect of sequence changes on RNA splicing suggest that this variant may create or strengthen a splice site. This variant has not been reported in the literature in individuals affected with NLRP3-related conditions. This variant is not present in population databases (gnomAD no frequency). This sequence change affects codon 945 of the NLRP3 mRNA. It is a 'silent' change, meaning that it does not change the encoded amino acid sequence of the NLRP3 protein.